The following is an entry in ClinVar:

ClinVar aggregate classification (germline): Uncertain significance (1 of 4 stars; one submission).

Conditions:
Peroxisome biogenesis disorder 5A (Zellweger) (PBD5A). Identifiers: Orphanet 912, MedGen C3553940, MONDO:0013932, OMIM 614866.

Submission:

Labcorp Genetics (formerly Invitae), Labcorp
Classification: Uncertain significance for Peroxisome biogenesis disorder 5A (Zellweger). Last evaluated: 2021-08-30. Review status: criteria provided, single submitter. Criteria: Invitae Variant Classification Sherloc (09022015). Collection method: clinical testing. Allele origin: germline.
Comment: This sequence change replaces valine with methionine at codon 56 of the PEX2 protein (p.Val56Met). The valine residue is moderately conserved and there is a small physicochemical difference between valine and methionine. This variant is not present in population databases (ExAC no frequency). This variant has not been reported in the literature in individuals affected with PEX2-related conditions. Algorithms developed to predict the effect of missense changes on protein structure and function (SIFT, PolyPhen-2, Align-GVGD) all suggest that this variant is likely to be tolerated. In summary, the available evidence is currently insufficient to determine the role of this variant in disease. Therefore, it has been classified as a Variant of Uncertain Significance.

NM_000318.3(PEX2):c.166G>A (p.Val56Met)

Gene: PEX2 (peroxisomal biogenesis factor 2; minus strand). Cytogenetic location: 8q21.13.
Variant type: single nucleotide variant.
Coding change: c.166G>A on transcript NM_000318.3 (MANE Select); coding-DNA position 166, G replaced by A.
Protein change: p.Val56Met; replaces valine 56 with methionine.
Molecular consequence: missense variant.
Genome position (GRCh38, 1-based): chr8:76,984,013, C>T on the plus strand (G>A on the coding strand, the complement: PEX2 is on the minus strand). VCF-style: chr8-76984013-C-T. GRCh37 (hg19) VCF-style: chr8-77896249-C-T.
Other names: c.166G>A, p.Val56Met (NM_001079867.2, NM_001172086.2, NM_001172087.2); short protein forms V56M.
Identifiers: ClinVar variation 1058536 (VCV001058536.6), dbSNP rs2132044712, ClinGen allele CA371557952.